The following is an entry in ClinVar:

ClinVar aggregate classification (germline): Uncertain significance (1 of 4 stars; one submission).

Allele frequency attached by ClinVar (database versions not stated): gnomAD exomes below 0.00001; TOPMed 0.00001.

Submission:

Labcorp Genetics (formerly Invitae), Labcorp
Classification: Uncertain significance. Last evaluated: 2024-03-04. Review status: criteria provided, single submitter. Criteria: Invitae Variant Classification Sherloc (09022015). Collection method: clinical testing. Allele origin: germline.
Comment: This sequence change replaces lysine, which is basic and polar, with glutamic acid, which is acidic and polar, at codon 125 of the GUCA1B protein (p.Lys125Glu). This variant is present in population databases (no rsID available, gnomAD 0.003%). This variant has not been reported in the literature in individuals affected with GUCA1B-related conditions. ClinVar contains an entry for this variant (Variation ID: 1376751). An algorithm developed to predict the effect of missense changes on protein structure and function (PolyPhen-2) suggests that this variant is likely to be disruptive. In summary, the available evidence is currently insufficient to determine the role of this variant in disease. Therefore, it has been classified as a Variant of Uncertain Significance.

NM_002098.6(GUCA1B):c.373A>G (p.Lys125Glu)

Gene: GUCA1B (guanylate cyclase activator 1B; minus strand). Cytogenetic location: 6p21.1.
Variant type: single nucleotide variant.
Coding change: c.373A>G on transcript NM_002098.6 (MANE Select); coding-DNA position 373, A replaced by G.
Protein change: p.Lys125Glu; replaces lysine 125 with glutamic acid.
Molecular consequence: missense variant.
Genome position (GRCh38, 1-based): chr6:42,185,782, T>C on the plus strand (A>G on the coding strand, the complement: GUCA1B is on the minus strand). VCF-style: chr6-42185782-T-C. GRCh37 (hg19) VCF-style: chr6-42153520-T-C.
Other names: short protein forms K125E.
Identifiers: ClinVar variation 1376751 (VCV001376751.6), dbSNP rs1220955743, ClinGen allele CA364112546.
Genomic context (GRCh38, chr6:42,185,782, plus strand): 5'-CCTCCTCGGGTGTGAGCAGCTGGCCTTGCTCAGTTTGTAGCTCTCGCCGGCAGGCTTTCT[T>C]CAGCTGGTAAATTCCCTGCCAAAGAAAACTCAGCTGCATTGACGGGAGACCCTGAAAGCT-3'
Protein context (NP_002089.4, residues 115-135): LNIVEGIYQL[Lys125Glu]KACRRELQTE